The following is an entry in ClinVar:

ClinVar aggregate classification (germline): Conflicting classifications of pathogenicity. Review status: criteria provided, conflicting classifications (1 of 4 stars). 4 submissions from 4 submitters: Likely pathogenic (1); Uncertain significance (3). Last evaluated 2026-04-01.

Conditions:
Mitochondrial dna depletion syndrome 14A (encephalomyopathic type). Identifiers: MedGen C6065952, MONDO:0980967, OMIM 621481.

Allele frequency attached by ClinVar (database versions not stated): gnomAD 0.00001; gnomAD exomes 0.00001 and 0.00002; TOPMed 0.00001; ExAC 0.00002.
gnomAD v4.1: 20 of 1,613,988 alleles (0.0012%); highest among the groups gnomAD compares: African/African-American, 0.0027%; no homozygotes.

Submissions (4):

Department of Genetics, Sultan Qaboos University Hospital
Classification: Likely pathogenic for Mitochondrial dna depletion syndrome 14A (encephalomyopathic type). Last evaluated: 2026-04-01. Review status: criteria provided, single submitter. Criteria: ACMG Guidelines, 2015. Collection method: clinical testing. Allele origin: germline. Affected: yes. Observed: 1 variant allele.
Comment: PP1_Strong, PP3_Moderate, PM2_Supporting, PP4_Supporting

Labcorp Genetics (formerly Invitae), Labcorp
Classification: Uncertain significance. Last evaluated: 2025-10-21. Review status: criteria provided, single submitter. Criteria: Invitae Variant Classification Sherloc (09022015). Collection method: clinical testing. Allele origin: germline.
Comment: This sequence change replaces arginine, which is basic and polar, with histidine, which is basic and polar, at codon 101 of the OPA1 protein (p.Arg101His). This variant is present in population databases (rs201856560, gnomAD 0.003%). This variant has not been reported in the literature in individuals affected with OPA1-related conditions. ClinVar contains an entry for this variant (Variation ID: 1363030). Invitae Evidence Modeling of protein sequence and biophysical properties (such as structural, functional, and spatial information, amino acid conservation, physicochemical variation, residue mobility, and thermodynamic stability) indicates that this missense variant is expected to disrupt OPA1 protein function with a positive predictive value of 80%. In summary, the available evidence is currently insufficient to determine the role of this variant in disease. Therefore, it has been classified as a Variant of Uncertain Significance.

Blueprint Genetics
Classification: Uncertain significance. Last evaluated: 2022-06-02. Review status: criteria provided, single submitter. Criteria: ACMG Guidelines, 2015. Collection method: clinical testing. Allele origin: germline.

Women's Health and Genetics/Laboratory Corporation of America, LabCorp
Classification: Uncertain significance. Last evaluated: 2022-05-11. Review status: criteria provided, single submitter. Criteria: LabCorp Variant Classification Summary - May 2015. Collection method: clinical testing. Allele origin: germline.
Comment: Variant summary: OPA1 c.302G>A (p.Arg101His) results in a non-conservative amino acid change in the encoded protein sequence. Five of five in-silico tools predict a damaging effect of the variant on protein function. The variant allele was found at a frequency of 2e-05 in 248906 control chromosomes. The available data on variant occurrences in the general population are insufficient to allow any conclusion about variant significance. To our knowledge, no occurrence of c.302G>A in individuals affected with OPA1-Related Disorders and no experimental evidence demonstrating its impact on protein function have been reported. One clinical diagnostic laboratory has submitted clinical-significance assessments for this variant to ClinVar after 2014 without evidence for independent evaluation and classified the variant as uncertain significance. Based on the evidence outlined above, the variant was classified as uncertain significance.

NM_130837.3(OPA1):c.302G>A (p.Arg101His)

Gene: OPA1 (OPA1 mitochondrial dynamin like GTPase; plus strand). Cytogenetic location: 3q29.
Variant type: single nucleotide variant.
Coding change: c.302G>A on transcript NM_130837.3 (MANE Select); coding-DNA position 302, G replaced by A.
Protein change: p.Arg101His; replaces arginine 101 with histidine.
Molecular consequence: missense variant. On other transcripts: 5 prime UTR variant (2).
Genome position (GRCh38, 1-based): chr3:193,614,992, G>A. VCF-style: chr3-193614992-G-A. GRCh37 (hg19) VCF-style: chr3-193332781-G-A.
Other names: c.-71G>A (NM_001354663.2, NM_001354664.2); c.302G>A, p.Arg101His (NM_015560.3, NM_130831.3, NM_130832.3 and 4 more transcripts); short protein forms R101H.
Identifiers: ClinVar variation 1363030 (VCV001363030.11), dbSNP rs201856560, ClinGen allele CA2758974.